The following is an entry in ClinVar:

NM_004618.5(TOP3A):c.2544G>A (p.Trp848Ter)

Gene: TOP3A (DNA topoisomerase III alpha; minus strand). Cytogenetic location: 17p11.2.
Variant type: single nucleotide variant.
Coding change: c.2544G>A on transcript NM_004618.5 (MANE Select); coding-DNA position 2544, G replaced by A.
Protein change: p.Trp848Ter; replaces tryptophan 848 with a stop codon.
Molecular consequence: nonsense.
Genome position (GRCh38, 1-based): chr17:18,277,958, C>T on the plus strand (G>A on the coding strand, the complement: TOP3A is on the minus strand). VCF-style: chr17-18277958-C-T. GRCh37 (hg19) VCF-style: chr17-18181272-C-T.
Other names: c.2259G>A, p.Trp753Ter (NM_001320759.2); short protein forms W753*, W848*.
Identifiers: ClinVar variation 3682719 (VCV003682719.2).

ClinVar aggregate classification (germline): Pathogenic (1 of 4 stars; one submission).

Submission:

Labcorp Genetics (formerly Invitae), Labcorp
Classification: Pathogenic. Last evaluated: 2024-10-18. Review status: criteria provided, single submitter. Criteria: Invitae Variant Classification Sherloc (09022015). Collection method: clinical testing. Allele origin: germline.
Comment: This sequence change creates a premature translational stop signal (p.Trp848*) in the TOP3A gene. It is expected to result in an absent or disrupted protein product. Loss-of-function variants in TOP3A are known to be pathogenic (PMID: 30057030). This variant is not present in population databases (gnomAD no frequency). This variant has not been reported in the literature in individuals affected with TOP3A-related conditions. For these reasons, this variant has been classified as Pathogenic.

Literature cited by the submitters: PubMed 30057030.